The following is an entry in ClinVar:

NM_032242.4(PLXNA1):c.619A>G (p.Met207Val)

Gene: PLXNA1 (plexin A1; plus strand). Cytogenetic location: 3q21.3.
Variant type: single nucleotide variant.
Coding change: c.619A>G on transcript NM_032242.4 (MANE Select); coding-DNA position 619, A replaced by G.
Protein change: p.Met207Val; replaces methionine 207 with valine.
Molecular consequence: missense variant.
Genome position (GRCh38, 1-based): chr3:126,989,212, A>G. VCF-style: chr3-126989212-A-G. GRCh37 (hg19) VCF-style: chr3-126708055-A-G.
Other names: short protein forms M207V.
Identifiers: ClinVar variation 4997587 (VCV004997587.1).

ClinVar aggregate classification (germline): Uncertain significance (1 of 4 stars; one submission).

Conditions:
PLXNA1-related disorder. Also called: PLXNA1-related condition.

gnomAD v4.1: 2 of 1,613,642 alleles (0.00012%); highest among the groups gnomAD compares: Admixed American, 0.0017%; no homozygotes.

Submission:

PreventionGenetics, part of Exact Sciences
Classification: Uncertain significance for PLXNA1-related condition. Last evaluated: 2025-01-16. Review status: criteria provided, single submitter. Criteria: ACMG Guidelines, 2015. Collection method: clinical testing. Allele origin: germline.
Comment: The PLXNA1 c.619A>G variant is predicted to result in the amino acid substitution p.Met207Val. To our knowledge, this variant has not been reported in the literature or in a large population database (gnomAD), indicating this variant is rare. At this time, the clinical significance of this variant is uncertain due to the absence of conclusive functional and genetic evidence.